The following is an entry in ClinVar:

ClinVar aggregate classification (germline): Uncertain significance (1 of 4 stars; one submission).

Submission:

CeGaT Center for Human Genetics Tuebingen
Classification: Uncertain significance. Last evaluated: 2026-06-01. Review status: criteria provided, single submitter. Criteria: CeGaT Center For Human Genetics Tuebingen Variant Classification Criteria Version 2. Collection method: clinical testing. Allele origin: germline. Affected: yes. Observed: 1 variant allele.
Comment: CLTC: PM2:Supporting, BP4

NM_004859.4(CLTC):c.1824T>C (p.Tyr608=)

Gene: CLTC (clathrin heavy chain; plus strand). Cytogenetic location: 17q23.1.
Variant type: single nucleotide variant.
Coding change: c.1824T>C on transcript NM_004859.4 (MANE Select); coding-DNA position 1824, T replaced by C.
Protein change: p.Tyr608=; no amino-acid change (tyrosine 608 retained).
Molecular consequence: synonymous variant.
Genome position (GRCh38, 1-based): chr17:59,666,521, T>C. VCF-style: chr17-59666521-T-C. GRCh37 (hg19) VCF-style: chr17-57743882-T-C.
Other names: c.1836T>C, p.Tyr612= (NM_001288653.2).
Identifiers: ClinVar variation 4875207 (VCV004875207.2).